The following is an entry in ClinVar:

ClinVar aggregate classification (germline): Benign/Likely benign. Review status: criteria provided, multiple submitters, no conflicts (2 of 4 stars). 5 submissions from 5 submitters: Benign (1); Likely benign (4). Last evaluated 2025-01-14.

Conditions:
Hereditary cancer-predisposing syndrome. Also called: Neoplastic Syndromes, Hereditary; Tumor predisposition; Hereditary Cancer Syndrome; Hereditary neoplastic syndrome. Identifiers: Orphanet 140162, MedGen C0027672, MeSH D009386, MONDO:0015356.
Familial cancer of breast. Also called: BREAST CANCER, FAMILIAL; Hereditary breast cancer; hereditary breast carcinoma. Identifiers: Orphanet 227535, MedGen C0346153, MONDO:0016419, OMIM 114480. Disease mechanism: loss of function.

gnomAD v4.1: 5 of 1,614,120 alleles (0.00031%); highest among the groups gnomAD compares: Non-Finnish European, 0.00042%; no homozygotes.

Submissions (5):

Myriad Genetics, Inc.
Classification: Benign for Familial cancer of breast. Last evaluated: 2025-01-14. Review status: criteria provided, single submitter. Criteria: Myriad Autosomal Dominant, Autosomal Recessive and X-Linked Classification Criteria (2023). Collection method: clinical testing. Allele origin: unknown.
Comment: This variant is considered benign. This variant is a silent/synonymous amino acid change and it is not expected to impact splicing.

Labcorp Genetics (formerly Invitae), Labcorp
Classification: Likely benign for Familial cancer of breast. Last evaluated: 2024-09-28. Review status: criteria provided, single submitter. Criteria: Invitae Variant Classification Sherloc (09022015). Collection method: clinical testing. Allele origin: germline.

Color Diagnostics, LLC DBA Color Health
Classification: Likely benign for Hereditary cancer-predisposing syndrome. Last evaluated: 2023-10-02. Review status: criteria provided, single submitter. Criteria: ACMG Guidelines, 2015. Collection method: clinical testing. Allele origin: germline.

Quest Diagnostics Nichols Institute San Juan Capistrano
Classification: Likely benign. Last evaluated: 2020-10-15. Review status: criteria provided, single submitter. Criteria: Quest Diagnostics criteria. Collection method: clinical testing. Allele origin: unknown.

Ambry Genetics
Classification: Likely benign for Hereditary cancer-predisposing syndrome. Last evaluated: 2019-12-05. Review status: criteria provided, single submitter. Criteria: Ambry Variant Classification Scheme 2023. Collection method: clinical testing. Allele origin: germline.

NM_024675.4(PALB2):c.1911C>G (p.Pro637=)

Gene: PALB2 (partner and localizer of BRCA2; minus strand). Cytogenetic location: 16p12.2.
Variant type: single nucleotide variant.
Coding change: c.1911C>G on transcript NM_024675.4 (MANE Select); coding-DNA position 1911, C replaced by G.
Protein change: p.Pro637=; no amino-acid change (proline 637 retained).
Molecular consequence: synonymous variant.
Genome position (GRCh38, 1-based): chr16:23,630,243, G>C on the plus strand (C>G on the coding strand, the complement: PALB2 is on the minus strand). VCF-style: chr16-23630243-G-C. GRCh37 (hg19) VCF-style: chr16-23641564-G-C.
Identifiers: ClinVar variation 820325 (VCV000820325.18), dbSNP rs1567218530, ClinGen allele CA494461176.